The following is an entry in ClinVar:

ClinVar aggregate classification (germline): Uncertain significance (1 of 4 stars; one submission).

Submission:

Labcorp Genetics (formerly Invitae), Labcorp
Classification: Uncertain significance. Last evaluated: 2024-04-22. Review status: criteria provided, single submitter. Criteria: Invitae Variant Classification Sherloc (09022015). Collection method: clinical testing. Allele origin: germline.
Comment: This sequence change replaces proline, which is neutral and non-polar, with alanine, which is neutral and non-polar, at codon 1481 of the PHIP protein (p.Pro1481Ala). This variant is not present in population databases (gnomAD no frequency). This variant has not been reported in the literature in individuals affected with PHIP-related conditions. ClinVar contains an entry for this variant (Variation ID: 2081972). Advanced modeling of protein sequence and biophysical properties (such as structural, functional, and spatial information, amino acid conservation, physicochemical variation, residue mobility, and thermodynamic stability) performed at Invitae indicates that this missense variant is not expected to disrupt PHIP protein function with a negative predictive value of 80%. In summary, the available evidence is currently insufficient to determine the role of this variant in disease. Therefore, it has been classified as a Variant of Uncertain Significance.

NM_017934.7(PHIP):c.4441C>G (p.Pro1481Ala)

Genes: IRAK1BP1 (interleukin 1 receptor associated kinase 1 binding protein 1; plus strand), PHIP (PHIP subunit of CUL4-Ring ligase complex; minus strand). Cytogenetic location: 6q14.1.
Variant type: single nucleotide variant.
Coding change: c.4441C>G on transcript NM_017934.7 (MANE Select); coding-DNA position 4441, C replaced by G.
Protein change: p.Pro1481Ala; replaces proline 1481 with alanine.
Molecular consequence: missense variant.
Genome position (GRCh38, 1-based): chr6:78,946,190, G>C on the plus strand (C>G on the coding strand, the complement: PHIP is on the minus strand). VCF-style: chr6-78946190-G-C. GRCh37 (hg19) VCF-style: chr6-79655907-G-C.
Other names: short protein forms P1481A.
Identifiers: ClinVar variation 2081972 (VCV002081972.4), dbSNP rs2481794589, ClinGen allele CA364637754.